The following is an entry in ClinVar:

NM_000261.2(MYOC):c.1314C>T (p.Thr438=)

Gene: MYOC (myocilin; minus strand). Cytogenetic location: 1q24.3.
Variant type: single nucleotide variant.
Coding change: c.1314C>T on transcript NM_000261.2 (MANE Select); coding-DNA position 1314, C replaced by T.
Protein change: p.Thr438=; no amino-acid change (threonine 438 retained).
Molecular consequence: synonymous variant.
Genome position (GRCh38, 1-based): chr1:171,636,126, G>A on the plus strand (C>T on the coding strand, the complement: MYOC is on the minus strand). VCF-style: chr1-171636126-G-A. GRCh37 (hg19) VCF-style: chr1-171605266-G-A.
Other names: NM_000261.2:c.1314C>T.
Identifiers: ClinVar variation 2498115 (VCV002498115.2), dbSNP rs375235405, ClinGen allele CA1244044.

ClinVar aggregate classification (germline): Uncertain significance (3 of 4 stars; one submission).

Conditions:
Open-angle glaucoma. Identifiers: MedGen C0017612, MONDO:0005338, HP:0012108.

Allele frequency attached by ClinVar (database versions not stated): ExAC 0.00002; ESP Exome Variant Server 0.00008; gnomAD exomes 0.00001; TOPMed 0.00002.

Submission:

ClinGen Glaucoma Variant Curation Expert Panel
Classification: Uncertain significance for Open-angle glaucoma. Last evaluated: 2026-01-20. Review status: reviewed by expert panel. Criteria: ClinGen Glaucoma ACMG Specifications V2.0.0 Approved. Collection method: curation. Allele origin: germline. Inheritance: Autosomal dominant inheritance.
Comment: The c.1314C>T variant in MYOC is a synonymous variant (p.Thr438=). The highest minor allele frequency of this variant was in the African/African-American genetic ancestry group of gnomAD (v4.1.0) = 0.0000267 (2 alleles out of 74,914), which met the ≤ 0.0001 threshold set for PM2_Supporting in a genetic ancestry group of at least 10,000 alleles. The SpliceAI score = 0.01, which met the ≤ 0.1 threshold for BP4, suggesting that the variant does not impact MYOC function. This synonymous variant meets BP4, so BP7 is met. There was no functional evidence predicting a damaging or benign impact of this variant on MYOC function. Only 1 proband with primary open angle glaucoma had been reported (PMID: 30816137), not meeting the ≥ 2 probands threshold required to meet PS4_Supporting. In summary, this variant met the criteria to receive a score of -1 and to be classified as a variant of uncertain significance (uncertain significance classification range -1 to 5, adapted from PMID: 32720330) for primary open angle glaucoma based on the ACMG/AMP criteria met, as specified by the ClinGen Glaucoma VCEP (v2.0.0, 5 Dec 2024): BP4, BP7, PM2_Supporting